The following is an entry in ClinVar:

NM_001267550.2(TTN):c.41019G>A (p.Pro13673=)

Gene: TTN (titin; minus strand). Cytogenetic location: 2q31.2.
Variant type: single nucleotide variant.
Coding change: c.41019G>A on transcript NM_001267550.2 (MANE Select); coding-DNA position 41019, G replaced by A.
Protein change: p.Pro13673=; no amino-acid change (proline 13673 retained).
Molecular consequence: synonymous variant.
Genome position (GRCh38, 1-based): chr2:178,636,708, C>T on the plus strand (G>A on the coding strand, the complement: TTN is on the minus strand). VCF-style: chr2-178636708-C-T. GRCh37 (hg19) VCF-style: chr2-179501435-C-T.
Other names: c.36096G>A, p.Pro12032= (NM_001256850.1); c.13824G>A, p.Pro4608= (NM_003319.4); c.33315G>A, p.Pro11105= (NM_133378.4); c.14199G>A, p.Pro4733= (NM_133432.3); c.14400G>A, p.Pro4800= (NM_133437.4).
Identifiers: ClinVar variation 467129 (VCV000467129.29), dbSNP rs762470432, ClinGen allele CA1996321.

ClinVar aggregate classification (germline): Conflicting classifications of pathogenicity. Review status: criteria provided, conflicting classifications (1 of 4 stars). 6 submissions from 6 submitters: Uncertain significance (1); Likely benign (5). Last evaluated 2025-12-23.

Conditions:
Dilated cardiomyopathy 1G (CMD1G). Identifiers: Orphanet 154, MedGen C1858763, MONDO:0011400, OMIM 604145.
Autosomal recessive limb-girdle muscular dystrophy type 2J (LGMDR10). Also called: Limb-girdle muscular dystrophy, type 2J; MUSCULAR DYSTROPHY, LIMB-GIRDLE, AUTOSOMAL RECESSIVE 10. Identifiers: Orphanet 140922, MedGen C1837342, MONDO:0012127, OMIM 608807.
Cardiovascular phenotype. Identifiers: MedGen CN230736.

Allele frequency attached by ClinVar (database versions not stated): ExAC 0.00002; gnomAD exomes 0.00004; TOPMed 0.00007; gnomAD 0.00008 and 0.00009.
gnomAD v4.1: 69 of 1,613,044 alleles (0.0043%); highest among the groups gnomAD compares: African/African-American, 0.016%; 1 homozygote.

Submissions (6):

Labcorp Genetics (formerly Invitae), Labcorp
Classification: Likely benign for Dilated cardiomyopathy 1G; Autosomal recessive limb-girdle muscular dystrophy type 2J. Last evaluated: 2025-12-23. Review status: criteria provided, single submitter. Criteria: Invitae Variant Classification Sherloc (09022015). Collection method: clinical testing. Allele origin: germline.

CeGaT Center for Human Genetics Tuebingen
Classification: Likely benign. Last evaluated: 2025-11-01. Review status: criteria provided, single submitter. Criteria: CeGaT Center For Human Genetics Tuebingen Variant Classification Criteria Version 2. Collection method: clinical testing. Allele origin: germline. Affected: yes. Observed: 1 variant allele.
Comment: TTN: BP4, BP7

Ambry Genetics
Classification: Likely benign for Cardiovascular phenotype. Last evaluated: 2025-06-18. Review status: criteria provided, single submitter. Criteria: Ambry Variant Classification Scheme 2023. Collection method: clinical testing. Allele origin: germline.

Blueprint Genetics
Classification: Likely benign. Last evaluated: 2024-10-11. Review status: criteria provided, single submitter. Criteria: ACMG Guidelines, 2015. Collection method: clinical testing. Allele origin: germline.

GeneDx
Classification: Likely benign. Last evaluated: 2018-09-07. Review status: criteria provided, single submitter. Criteria: GeneDx Variant Classification Process June 2021. Collection method: clinical testing. Allele origin: germline. Affected: yes.

Eurofins Ntd Llc (ga)
Classification: Uncertain significance. Last evaluated: 2016-12-01. Review status: criteria provided, single submitter. Criteria: EGL Classification Definitions 2015. Collection method: clinical testing. Allele origin: germline. Observed: 2 variant alleles, 2 heterozygotes.